The following is an entry in ClinVar:

NM_005994.4(TBX2):c.1153G>A (p.Ala385Thr)

Gene: TBX2 (T-box transcription factor 2; plus strand). Cytogenetic location: 17q23.2.
Variant type: single nucleotide variant.
Coding change: c.1153G>A on transcript NM_005994.4 (MANE Select); coding-DNA position 1153, G replaced by A.
Protein change: p.Ala385Thr; replaces alanine 385 with threonine.
Molecular consequence: missense variant.
Genome position (GRCh38, 1-based): chr17:61,405,303, G>A. VCF-style: chr17-61405303-G-A. GRCh37 (hg19) VCF-style: chr17-59482664-G-A.
Other names: short protein forms A385T.
Identifiers: ClinVar variation 4886018 (VCV004886018.2).
Genomic context (GRCh38, chr17:61,405,303, plus strand): 5'-GAGCGGTTGAGCGAGGAGCGTGCGGGGGCGCCGCTAGGCCGCAGCCCGGCTCCAGACAGC[G>A]CCAGCCCCACTCGCTTGACCGAACCCGAGCGCGCCCGGGAGCGGCGTAGTCCCGAGAGGG-3'
Protein context (NP_005985.3, residues 375-395): PLGRSPAPDS[Ala385Thr]SPTRLTEPER

ClinVar aggregate classification (germline): Uncertain significance (1 of 4 stars; one submission).

gnomAD v4.1: 3 of 1,556,800 alleles (0.00019%); highest among the groups gnomAD compares: African/African-American, 0.0014%; no homozygotes.

Submission:

Dasa
Classification: Uncertain significance. Last evaluated: 2025-10-31. Review status: criteria provided, single submitter. Criteria: DASA Assertion Criteria. Collection method: clinical testing. Allele origin: germline.
Comment: NM_005994.4(TBX2):c.1153G>A (p.Ala385Thr) is a missense variant that results in the substitution of alanine with threonine. This variant is rare in population databases. The currently available literature and clinical evidence are not sufficient to establish a definitive association between this variant and the reported condition. Therefore, this variant is classified as a variant of uncertain significance.